The following is an entry in ClinVar:

NM_000368.5(TSC1):c.2824C>T (p.Gln942Ter)

Gene: TSC1 (TSC complex subunit 1; minus strand). Cytogenetic location: 9q34.13.
Variant type: single nucleotide variant.
Coding change: c.2824C>T on transcript NM_000368.5 (MANE Select); coding-DNA position 2824, C replaced by T.
Protein change: p.Gln942Ter; replaces glutamine 942 with a stop codon.
Molecular consequence: nonsense.
Genome position (GRCh38, 1-based): chr9:132,897,335, G>A on the plus strand (C>T on the coding strand, the complement: TSC1 is on the minus strand). VCF-style: chr9-132897335-G-A. GRCh37 (hg19) VCF-style: chr9-135772722-G-A.
Other names: c.2461C>T, p.Gln821Ter (NM_001406614.1, NM_001406615.1, NM_001406616.1 and 4 more transcripts); c.2458C>T, p.Gln820Ter (NM_001406620.1, NM_001406621.1, NM_001406622.1 and 1 more transcripts); c.2821C>T, p.Gln941Ter (NM_001162426.2, NM_001406597.1, NM_001406598.1 and 2 more transcripts); c.2671C>T, p.Gln891Ter (NM_001162427.2, NM_001406610.1); c.2824C>T, p.Gln942Ter (NM_001406592.1, NM_001406593.1, NM_001406594.1 and 2 more transcripts); c.2809C>T, p.Gln937Ter (NM_001406601.1, NM_001406602.1); c.2806C>T, p.Gln936Ter (NM_001406603.1, NM_001406604.1); c.2782C>T, p.Gln928Ter (NM_001406605.1, NM_001406606.1, NM_001406607.1); and 8 more; short protein forms Q806*, Q876*, Q941*, Q624*, Q807*, Q821*, Q928*, Q591*.
Identifiers: ClinVar variation 1796488 (VCV001796488.9), dbSNP rs2131628564, ClinGen allele CA375368930.
Genomic context (GRCh38, chr9:132,897,335, plus strand): 5'-TCTCCAATTCAAACACCTGGGTTATCCTTTTCTGAGCCTCATACCTGCTCTCTGCGGCCT[G>A]CAGCTGTCCTCTGAAAGATACAGACCAGCCAGAATATAGGAAGTTCCACTTAATAAAAAC-3'

ClinVar aggregate classification (germline): Pathogenic. Review status: criteria provided, multiple submitters, no conflicts (2 of 4 stars). 4 submissions from 4 submitters: Pathogenic (4). Last evaluated 2026-03-26.

Conditions:
Hereditary cancer-predisposing syndrome. Also called: Tumor predisposition; Hereditary neoplastic syndrome; Hereditary Cancer Syndrome; Neoplastic Syndromes, Hereditary. Identifiers: Orphanet 140162, MedGen C0027672, MeSH D009386, MONDO:0015356.
TSC1-related disorder. Also called: TSC1-related condition.
Tuberous sclerosis syndrome (TSC). Also called: Tuberous Sclerosis Complex; Tuberous sclerosis. Identifiers: Orphanet 805, MedGen C0041341, MONDO:0001734.

Submissions (4):

PreventionGenetics, part of Exact Sciences
Classification: Pathogenic for TSC1-related condition. Last evaluated: 2026-03-26. Review status: criteria provided, single submitter. Criteria: ACMG Guidelines, 2015. Collection method: clinical testing. Allele origin: germline.
Comment: The TSC1 c.2824C>T variant is predicted to result in premature protein termination (p.Gln942*). To our knowledge, this variant has not been reported in the literature or in a large population database, indicating this variant is rare. Nonsense variants in TSC1 are expected to be pathogenic. This variant is interpreted as pathogenic in ClinVar (Variation ID: 1796488). This variant is interpreted as pathogenic.

Ambry Genetics
Classification: Pathogenic for Hereditary cancer-predisposing syndrome. Last evaluated: 2025-02-18. Review status: criteria provided, single submitter. Criteria: Ambry Variant Classification Scheme 2023. Collection method: clinical testing. Allele origin: germline.
Comment: The p.Q942* pathogenic mutation (also known as c.2824C>T), located in coding exon 20 of the TSC1 gene, results from a C to T substitution at nucleotide position 2824. This changes the amino acid from a glutamine to a stop codon within coding exon 20. C-terminal frameshift variants in the TSC1 gene have been reported in individuals with a renal cell cancer only phenotype (Sakamoto H et al. J Clin Pathol, 2018 Oct;71:936-943; Ambry Internal Data). This alteration is expected to result in loss of function by premature protein truncation or nonsense-mediated mRNA decay. As such, this alteration is interpreted as a disease-causing mutation.

All of Us Research Program, National Institutes of Health
Classification: Pathogenic for Tuberous sclerosis syndrome. Last evaluated: 2023-08-08. Review status: criteria provided, single submitter. Criteria: ACMG Guidelines, 2015. Collection method: clinical testing. Allele origin: germline. Inheritance: Autosomal dominant inheritance. Observed: 1 variant allele, 1 heterozygote.
Comment: This variant changes 1 nucleotide in exon 22 of the TSC1 gene, creating a premature translation stop signal. This variant is expected to undergo nonsense-mediated decay and result in an absent or non-functional protein product. To our knowledge, this variant has not been reported in individuals affected with TSC1-related disorders in the literature. This variant has not been identified in the general population by the Genome Aggregation Database (gnomAD). Loss of TSC1 function is a known mechanism of disease. Based on the available evidence, this variant is classified as Pathogenic.

This study involves interpretation of variants in research participants for the purpose of population health screening. Participant phenotype was not available at the time of variant classification. Additional details can be found in publication PMID: 35346344, PMCID: PMC8962531

Color Diagnostics, LLC DBA Color Health
Classification: Pathogenic for Tuberous sclerosis syndrome. Last evaluated: 2023-06-08. Review status: criteria provided, single submitter. Criteria: ACMG Guidelines, 2015. Collection method: clinical testing. Allele origin: germline.
Comment: This variant changes 1 nucleotide in exon 22 of the TSC1 gene, creating a premature translation stop signal. This variant is expected to undergo nonsense-mediated decay and result in an absent or non-functional protein product. To our knowledge, this variant has not been reported in individuals affected with TSC1-related disorders in the literature. This variant has not been identified in the general population by the Genome Aggregation Database (gnomAD). Loss of TSC1 function is a known mechanism of disease. Based on the available evidence, this variant is classified as Pathogenic.

Literature cited by the submitters: PubMed 29960980 (cited by Ambry Genetics).